The following is an entry in ClinVar:

NM_016169.4(SUFU):c.59C>A (p.Pro20Gln)

Genes: SUFU (SUFU negative regulator of hedgehog signaling; plus strand), LOC130004614 (ATAC-STARR-seq lymphoblastoid silent region 2764; plus strand). Cytogenetic location: 10q24.32.
Variant type: single nucleotide variant.
Coding change: c.59C>A on transcript NM_016169.4 (MANE Select); coding-DNA position 59, C replaced by A.
Protein change: p.Pro20Gln; replaces proline 20 with glutamine.
Molecular consequence: missense variant.
Genome position (GRCh38, 1-based): chr10:102,504,211, C>A. VCF-style: chr10-102504211-C-A. GRCh37 (hg19) VCF-style: chr10-104263968-C-A.
Other names: c.59C>A, p.Pro20Gln (NM_001178133.2); short protein forms P20Q.
Identifiers: ClinVar variation 5030381 (VCV005030381.1).

ClinVar aggregate classification (germline): Uncertain significance (1 of 4 stars; one submission).

Conditions:
Hereditary cancer-predisposing syndrome. Also called: Neoplastic Syndromes, Hereditary; Tumor predisposition; Hereditary neoplastic syndrome; Hereditary Cancer Syndrome. Identifiers: Orphanet 140162, MedGen C0027672, MeSH D009386, MONDO:0015356.

Submission:

Ambry Genetics
Classification: Uncertain significance for Hereditary cancer-predisposing syndrome. Last evaluated: 2026-07-06. Review status: criteria provided, single submitter. Criteria: Ambry Variant Classification Scheme 2023. Collection method: clinical testing. Allele origin: germline.
Comment: The p.P20Q variant (also known as c.59C>A), located in coding exon 1 of the SUFU gene, results from a C to A substitution at nucleotide position 59. The proline at codon 20 is replaced by glutamine, an amino acid with similar properties. This amino acid position is conserved. In addition, the in silico prediction for this alteration is inconclusive. Based on the available evidence, the clinical significance of this variant remains unclear.